The following is an entry in ClinVar:

NM_000536.4(RAG2):c.703A>G (p.Arg235Gly)

Gene: RAG2 (recombination activating 2; minus strand). Cytogenetic location: 11p12.
Variant type: single nucleotide variant.
Coding change: c.703A>G on transcript NM_000536.4 (MANE Select); coding-DNA position 703, A replaced by G.
Protein change: p.Arg235Gly; replaces arginine 235 with glycine.
Molecular consequence: missense variant.
Genome position (GRCh38, 1-based): chr11:36,593,466, T>C on the plus strand (A>G on the coding strand, the complement: RAG2 is on the minus strand). VCF-style: chr11-36593466-T-C. GRCh37 (hg19) VCF-style: chr11-36615016-T-C.
Other names: c.703A>G, p.Arg235Gly (NM_001243785.2, NM_001243786.2); short protein forms R235G.
Identifiers: ClinVar variation 5002942 (VCV005002942.1).

ClinVar aggregate classification (germline): Uncertain significance (1 of 4 stars; one submission).

Conditions:
Severe combined immunodeficiency, autosomal recessive, T cell-negative, B cell-negative, NK cell-positive. Also called: SCID, T CELL-NEGATIVE, B CELL-NEGATIVE, NK CELL-POSITIVE; Severe combined immunodeficiency due to complete RAG1/2 deficiency; SCID, AR, T-cell negative, B-cell negative, NK cell-positive. Identifiers: Orphanet 331206, MedGen C1832322, MONDO:0011086, OMIM 601457.

Submission:

OLLIN Analises Genomicas, OLLIN
Classification: Uncertain significance for Severe combined immunodeficiency, autosomal recessive, T cell-negative, B cell-negative, NK cell-positive. Last evaluated: 2026-08-06. Review status: criteria provided, single submitter. Criteria: ACMG Guidelines 2015 PMID 25741868. Collection method: clinical testing. Allele origin: germline.
Comment: This missense variant, located in exon 2 (of 2), is absent from gnomAD and ClinVar and has not been identified in the literature. In silico analysis is inconclusive regarding the impact of this variant. This variant is located in a region considered to be a mutational hotspot. According to the currently available evidence, this variant has been classified as uncertain significance (PM1_P, PM2_P).